The following is an entry in ClinVar:

NM_000059.4(BRCA2):c.9635G>A (p.Gly3212Glu)

Gene: BRCA2 (BRCA2 DNA repair associated; plus strand). Cytogenetic location: 13q13.1.
Variant type: single nucleotide variant.
Coding change: c.9635G>A on transcript NM_000059.4 (MANE Select); coding-DNA position 9635, G replaced by A.
Protein change: p.Gly3212Glu; replaces glycine 3212 with glutamic acid.
Molecular consequence: missense variant.
Genome position (GRCh38, 1-based): chr13:32,397,031, G>A. VCF-style: chr13-32397031-G-A. GRCh37 (hg19) VCF-style: chr13-32971168-G-A.
Other names: short protein forms G3212E.
Identifiers: ClinVar variation 947514 (VCV000947514.13), dbSNP rs1281719451, ClinGen allele CA387763776.

ClinVar aggregate classification (germline): Conflicting classifications of pathogenicity. Review status: criteria provided, conflicting classifications (1 of 4 stars). 3 submissions from 3 submitters: Uncertain significance (2); Likely benign (1). Last evaluated 2025-02-16.

Conditions:
Hereditary cancer-predisposing syndrome. Also called: Hereditary neoplastic syndrome; Neoplastic Syndromes, Hereditary; Tumor predisposition; Hereditary Cancer Syndrome. Identifiers: Orphanet 140162, MedGen C0027672, MeSH D009386, MONDO:0015356.
Hereditary breast ovarian cancer syndrome. Also called: Hereditary breast and/or ovarian cancer syndrome; Hereditary breast and ovarian cancer syndrome; Hereditary breast and ovarian cancer syndrome (HBOC); Breast and ovarian cancer; BRCA1- and BRCA2-Associated Hereditary Breast and Ovarian Cancer; Hereditary breast and ovarian cancer. Identifiers: Orphanet 145, MedGen C0677776, MeSH D061325, MONDO:0003582. Disease mechanism: loss of function.

Allele frequency attached by ClinVar (database versions not stated): gnomAD exomes below 0.00001.
gnomAD v4.1: 1 of 1,614,016 alleles (0.000062%); no homozygotes.

Submissions (3):

Catlab - Consorci Sanitari de Terrassa
Classification: Likely benign for Hereditary cancer-predisposing syndrome. Last evaluated: 2025-02-16. Review status: criteria provided, single submitter. Criteria: ClinGen BRCA1BRCA2 ACMG Specifications BRCA2 V1.2.0. Collection method: clinical testing. Allele origin: germline.
Comment: Based on currently available information, this variant should be considered as Likely Benign according to ClinGen-BRCA2 v1.2.0. BP1_strong, PM2_supp; point system classification.

Labcorp Genetics (formerly Invitae), Labcorp
Classification: Uncertain significance for Hereditary breast ovarian cancer syndrome. Last evaluated: 2024-04-16. Review status: criteria provided, single submitter. Criteria: Invitae Variant Classification Sherloc (09022015). Collection method: clinical testing. Allele origin: germline.
Comment: This sequence change replaces glycine, which is neutral and non-polar, with glutamic acid, which is acidic and polar, at codon 3212 of the BRCA2 protein (p.Gly3212Glu). This variant is present in population databases (no rsID available, gnomAD 0.0009%). This variant has not been reported in the literature in individuals affected with BRCA2-related conditions. ClinVar contains an entry for this variant (Variation ID: 947514). Advanced modeling of protein sequence and biophysical properties (such as structural, functional, and spatial information, amino acid conservation, physicochemical variation, residue mobility, and thermodynamic stability) performed at Invitae indicates that this missense variant is not expected to disrupt BRCA2 protein function with a negative predictive value of 95%. In summary, the available evidence is currently insufficient to determine the role of this variant in disease. Therefore, it has been classified as a Variant of Uncertain Significance.

Ambry Genetics
Classification: Uncertain significance for Hereditary cancer-predisposing syndrome. Last evaluated: 2023-08-02. Review status: criteria provided, single submitter. Criteria: Ambry Variant Classification Scheme 2023. Collection method: clinical testing. Allele origin: germline.
Comment: The p.G3212E variant (also known as c.9635G>A), located in coding exon 25 of the BRCA2 gene, results from a G to A substitution at nucleotide position 9635. The glycine at codon 3212 is replaced by glutamic acid, an amino acid with similar properties. This amino acid position is conserved. In addition, this alteration is predicted to be tolerated by in silico analysis. Since supporting evidence is limited at this time, the clinical significance of this alteration remains unclear.